The following is an entry in ClinVar:

ClinVar aggregate classification (germline): Likely benign (1 of 4 stars; one submission).

gnomAD v4.1: 845 of 1,613,852 alleles (0.052%); highest among the groups gnomAD compares: Middle Eastern, 0.5%; 2 homozygotes.

Submission:

CeGaT Center for Human Genetics Tuebingen
Classification: Likely benign. Last evaluated: 2026-04-01. Review status: criteria provided, single submitter. Criteria: CeGaT Center For Human Genetics Tuebingen Variant Classification Criteria Version 2. Collection method: clinical testing. Allele origin: germline. Affected: yes. Observed: 2 variant alleles.
Comment: CEP76: BP4, BP7

NM_024899.4(CEP76):c.1641T>C (p.Thr547=)

Genes: CEP76 (centrosomal protein 76; minus strand), PSMG2 (proteasome assembly chaperone 2; plus strand). Cytogenetic location: 18p11.21.
Variant type: single nucleotide variant.
Coding change: c.1641T>C on transcript NM_024899.4 (MANE Select); coding-DNA position 1641, T replaced by C.
Protein change: p.Thr547=; no amino-acid change (threonine 547 retained).
Molecular consequence: synonymous variant. On other transcripts: non-coding transcript variant (1), intron variant (1).
Genome position (GRCh38, 1-based): chr18:12,674,736, A>G on the plus strand (T>C on the coding strand, the complement: CEP76 is on the minus strand). VCF-style: chr18-12674736-A-G. GRCh37 (hg19) VCF-style: chr18-12674735-A-G.
Other names: c.1416T>C, p.Thr472= (NM_001271989.2); c.-37+15963A>G (NM_147163.2).
Identifiers: ClinVar variation 4083824 (VCV004083824.8).
Genomic context (GRCh38, chr18:12,674,736, plus strand): 5'-CTCAAATTCATAAGAAGCCAAAGCTGGTGATAAAAGGTAGGAGAGCTGGTCTTCCCAAAC[A>G]GTAGTGAGGCCAAGATCCTATGAGCAATCAAGAGAAAAAGAAAAAGTGAAATACATTAAT-3'
Protein context (NP_079175.2, residues 537-557): SEHRKDLGLT[Thr547=]VWEDQLSYLL